The following is an entry in ClinVar:

NM_033380.3(COL4A5):c.81+4A>C

Gene: COL4A5 (collagen type IV alpha 5 chain; plus strand). Cytogenetic location: Xq22.3.
Variant type: single nucleotide variant.
Coding change: c.81+4A>C on transcript NM_033380.3 (MANE Select); 4 bases into the intron after coding-DNA position 81, A replaced by C.
Molecular consequence: intron variant.
Genome position (GRCh38, 1-based): chrX:108,440,210, A>C. VCF-style: chrX-108440210-A-C. GRCh37 (hg19) VCF-style: chrX-107683440-A-C.
Other names: c.81+4A>C (NM_000495.5).
Identifiers: ClinVar variation 3724345 (VCV003724345.2), dbSNP rs1569469484.
Genomic context (GRCh38, chrX:108,440,210, plus strand): 5'-GCTGCCGGCTTGTTCTTACTGGCCCTGAGTCTTTGGGGGCAGCCTGCAGAGGCTGCGGTA[A>C]GTCCTTCCTCCCCTCCCCCGCGCCCATCACCGCTCTTTCACGCTGAAATTACCTTTTTTT-3'

ClinVar aggregate classification (germline): Likely pathogenic (1 of 4 stars; one submission).

Submission:

Labcorp Genetics (formerly Invitae), Labcorp
Classification: Likely pathogenic. Last evaluated: 2024-06-06. Review status: criteria provided, single submitter. Criteria: Invitae Variant Classification Sherloc (09022015). Collection method: clinical testing. Allele origin: germline.
Comment: This sequence change falls in intron 1 of the COL4A5 gene. It does not directly change the encoded amino acid sequence of the COL4A5 protein. It affects a nucleotide within the consensus splice site. This variant is not present in population databases (gnomAD no frequency). This variant has been observed in individuals with Alport syndrome (PMID: 26809805, 33040356; Invitae). Variants that disrupt the consensus splice site are a relatively common cause of aberrant splicing (PMID: 17576681, 9536098). Algorithms developed to predict the effect of sequence changes on RNA splicing suggest that this variant is not likely to affect RNA splicing. In summary, the currently available evidence indicates that the variant is pathogenic, but additional data are needed to prove that conclusively. Therefore, this variant has been classified as Likely Pathogenic.

Literature cited by the submitters: PubMed 26809805; PubMed 33040356; PubMed 17576681; PubMed 9536098.